The following is an entry in ClinVar:

ClinVar aggregate classification (germline): Uncertain significance (1 of 4 stars; one submission).

Conditions:
Autosomal dominant nonsyndromic hearing loss 1. Also called: KONIGSMARK SYNDROME; DEAFNESS, AUTOSOMAL DOMINANT 1, WITH OR WITHOUT THROMBOCYTOPENIA. Identifiers: Orphanet 90635, MedGen C1852282, MONDO:0007424, OMIM 124900.
Progressive microcephaly-seizures-cortical blindness-developmental delay syndrome. Also called: Seizures, cortical blindness, and microcephaly syndrome. Identifiers: Orphanet 477814, MedGen C5567650, MONDO:0014714, OMIM 616632.

Allele frequency attached by ClinVar (database versions not stated): gnomAD exomes below 0.00001; gnomAD 0.00001.
gnomAD v4.1: 3 of 1,503,176 alleles (0.0002%); highest among the groups gnomAD compares: African/African-American, 0.0028%; no homozygotes.

Submission:

Labcorp Genetics (formerly Invitae), Labcorp
Classification: Uncertain significance for Progressive microcephaly-seizures-cortical blindness-developmental delay syndrome; Autosomal dominant nonsyndromic hearing loss 1. Last evaluated: 2023-07-16. Review status: criteria provided, single submitter. Criteria: Invitae Variant Classification Sherloc (09022015). Collection method: clinical testing. Allele origin: germline.
Comment: Algorithms developed to predict the effect of sequence changes on RNA splicing suggest that this variant may disrupt the consensus splice site. In summary, the available evidence is currently insufficient to determine the role of this variant in disease. Therefore, it has been classified as a Variant of Uncertain Significance. This variant has not been reported in the literature in individuals affected with DIAPH1-related conditions. This variant is not present in population databases (gnomAD no frequency). This sequence change falls in intron 4 of the DIAPH1 gene. It does not directly change the encoded amino acid sequence of the DIAPH1 protein.

NM_005219.5(DIAPH1):c.402+19A>G

Gene: DIAPH1 (diaphanous related formin 1; minus strand). Cytogenetic location: 5q31.3.
Variant type: single nucleotide variant.
Coding change: c.402+19A>G on transcript NM_005219.5 (MANE Select); 19 bases into the intron after coding-DNA position 402, A replaced by G.
Molecular consequence: intron variant.
Genome position (GRCh38, 1-based): chr5:141,584,105, T>C on the plus strand (A>G on the coding strand, the complement: DIAPH1 is on the minus strand). VCF-style: chr5-141584105-T-C. GRCh37 (hg19) VCF-style: chr5-140963672-T-C.
Other names: c.375+19A>G (NM_001079812.3); c.402+19A>G (NM_001314007.2).
Identifiers: ClinVar variation 2927740 (VCV002927740.3), dbSNP rs2099897185, ClinGen allele CA1082270159.